The following is an entry in ClinVar:

ClinVar aggregate classification (germline): Uncertain significance (1 of 4 stars; one submission).

Conditions:
Kleefstra syndrome 1 (KLEFS1). Identifiers: Orphanet 261494, MedGen C0795833, MONDO:0027407, OMIM 610253.

Allele frequency attached by ClinVar (database versions not stated): gnomAD exomes below 0.00001.
gnomAD v4.1: 4 of 1,614,176 alleles (0.00025%); highest among the groups gnomAD compares: Non-Finnish European, 0.00025%; no homozygotes.

Submission:

Labcorp Genetics (formerly Invitae), Labcorp
Classification: Uncertain significance for Kleefstra syndrome 1. Last evaluated: 2024-05-15. Review status: criteria provided, single submitter. Criteria: Invitae Variant Classification Sherloc (09022015). Collection method: clinical testing. Allele origin: germline.
Comment: This sequence change replaces aspartic acid, which is acidic and polar, with glycine, which is neutral and non-polar, at codon 1145 of the EHMT1 protein (p.Asp1145Gly). This variant is not present in population databases (gnomAD no frequency). This variant has not been reported in the literature in individuals affected with EHMT1-related conditions. Advanced modeling of protein sequence and biophysical properties (such as structural, functional, and spatial information, amino acid conservation, physicochemical variation, residue mobility, and thermodynamic stability) performed at Invitae indicates that this missense variant is expected to disrupt EHMT1 protein function with a positive predictive value of 80%. In summary, the available evidence is currently insufficient to determine the role of this variant in disease. Therefore, it has been classified as a Variant of Uncertain Significance.

NM_024757.5(EHMT1):c.3434A>G (p.Asp1145Gly)

Gene: EHMT1 (euchromatic histone lysine methyltransferase 1; plus strand). Cytogenetic location: 9q34.3.
Variant type: single nucleotide variant.
Coding change: c.3434A>G on transcript NM_024757.5 (MANE Select); coding-DNA position 3434, A replaced by G.
Protein change: p.Asp1145Gly; replaces aspartic acid 1145 with glycine.
Molecular consequence: missense variant.
Genome position (GRCh38, 1-based): chr9:137,817,498, A>G. VCF-style: chr9-137817498-A-G. GRCh37 (hg19) VCF-style: chr9-140711950-A-G.
Other names: c.3413A>G, p.Asp1138Gly (NM_001354263.2); short protein forms D1145G, D1138G.
Identifiers: ClinVar variation 2860468 (VCV002860468.3), dbSNP rs777757210, ClinGen allele CA201799488.